The following is an entry in ClinVar:

ClinVar aggregate classification (germline): Uncertain significance (1 of 4 stars; one submission).

Submission:

GeneDx
Classification: Uncertain significance. Last evaluated: 2023-09-04. Review status: criteria provided, single submitter. Criteria: GeneDx Variant Classification Process June 2021. Collection method: clinical testing. Allele origin: germline. Affected: yes.
Comment: Not observed at significant frequency in large population cohorts (gnomAD); In silico analysis supports that this missense variant does not alter protein structure/function; Has not been previously published as pathogenic or benign to our knowledge

NM_001379451.1(BCORL1):c.1756G>A (p.Gly586Ser)

Gene: BCORL1 (BCL6 corepressor like 1; plus strand). Cytogenetic location: Xq26.1.
Variant type: single nucleotide variant.
Coding change: c.1756G>A on transcript NM_001379451.1 (MANE Select); coding-DNA position 1756, G replaced by A.
Protein change: p.Gly586Ser; replaces glycine 586 with serine.
Molecular consequence: missense variant.
Genome position (GRCh38, 1-based): chrX:130,014,528, G>A. VCF-style: chrX-130014528-G-A. GRCh37 (hg19) VCF-style: chrX-129148504-G-A.
Other names: c.1756G>A, p.Gly586Ser (NM_001184772.3, NM_001379450.1, NM_021946.5); short protein forms G586S.
Identifiers: ClinVar variation 1328770 (VCV001328770.5), dbSNP rs2124447114, ClinGen allele CA414585614.